The following is an entry in ClinVar:

ClinVar aggregate classification (germline): Pathogenic (1 of 4 stars; one submission).

Conditions:
Leber congenital amaurosis 4 (LCA4). Identifiers: MedGen C1858386, MONDO:0011458, OMIM 604393.

Submission:

Labcorp Genetics (formerly Invitae), Labcorp
Classification: Pathogenic for Leber congenital amaurosis 4. Last evaluated: 2024-11-18. Review status: criteria provided, single submitter. Criteria: Invitae Variant Classification Sherloc (09022015). Collection method: clinical testing. Allele origin: germline.
Comment: This sequence change creates a premature translational stop signal (p.His260Profs*21) in the AIPL1 gene. While this is not anticipated to result in nonsense mediated decay, it is expected to disrupt the last 125 amino acid(s) of the AIPL1 protein. This variant is not present in population databases (gnomAD no frequency). This variant has not been reported in the literature in individuals affected with AIPL1-related conditions. ClinVar contains an entry for this variant (Variation ID: 2013018). This variant disrupts a region of the AIPL1 protein in which other variant(s) (p.Trp278*) have been determined to be pathogenic (PMID: 10615133, 10873396, 15249368, 21474771, 22412862). This suggests that this is a clinically significant region of the protein, and that variants that disrupt it are likely to be disease-causing. For these reasons, this variant has been classified as Pathogenic.

Literature cited by the submitters: PubMed 10615133; PubMed 10873396; PubMed 15249368; PubMed 21474771; PubMed 22412862.

NM_014336.5(AIPL1):c.778dup (p.His260fs)

Gene: AIPL1 (AIP like 1 HSP90 co-chaperone; minus strand). Cytogenetic location: 17p13.2.
Variant type: Duplication.
Coding change: c.778dup on transcript NM_014336.5 (MANE Select); coding-DNA position 778, one base duplicated (C; older notation c.778dupC).
Protein change: p.His260fs; shifts the reading frame from histidine 260.
Molecular consequence: frameshift variant.
Genome position (GRCh38, 1-based): chr17:6,426,621, G duplicated on the plus strand (C on the coding strand, the reverse complement: AIPL1 is on the minus strand); the first of 2 consecutive G bases (chr17:6,426,621-6,426,622); duplicating either gives the same sequence. VCF-style (leftmost placement, unchanged base first): chr17-6426620-T-TG. GRCh37 (hg19) VCF-style: chr17-6329940-T-TG.
Other names: c.589dup, p.His197fs (NM_001033054.3); c.598dup, p.His200fs (NM_001033055.3); c.742dup, p.His248fs (NM_001285399.3); c.712dup, p.His238fs (NM_001285400.3); c.706dup, p.His236fs (NM_001285401.3); c.661dup, p.His221fs (NM_001285402.2); c.754dup, p.His252fs (NM_001285403.4); short protein forms H260fs, H197fs, H252fs, H248fs, H200fs, H221fs, H236fs, H238fs.
Identifiers: ClinVar variation 2013018 (VCV002013018.4), dbSNP rs2543883456, ClinGen allele CA2580093559.